The following is an entry in ClinVar:

ClinVar aggregate classification (germline): Uncertain significance. Review status: criteria provided, multiple submitters, no conflicts (2 of 4 stars). 3 submissions from 3 submitters: Uncertain significance (3). Last evaluated 2025-12-29.

Conditions:
Dilated cardiomyopathy 1JJ (CMD1JJ). Identifiers: Orphanet 154, MedGen C3808935, MONDO:0014095, OMIM 615235.

Allele frequency attached by ClinVar (database versions not stated): ExAC 0.00001; gnomAD 0.00001; gnomAD exomes 0.00001; TOPMed 0.00002.
gnomAD v4.1: 12 of 1,613,746 alleles (0.00074%); highest among the groups gnomAD compares: East Asian, 0.013%; no homozygotes.

Submissions (3):

Labcorp Genetics (formerly Invitae), Labcorp
Classification: Uncertain significance for Dilated cardiomyopathy 1JJ. Last evaluated: 2025-12-29. Review status: criteria provided, single submitter. Criteria: Invitae Variant Classification Sherloc (09022015). Collection method: clinical testing. Allele origin: germline.
Comment: This sequence change replaces alanine, which is neutral and non-polar, with valine, which is neutral and non-polar, at codon 1436 of the LAMA4 protein (p.Ala1436Val). This variant is present in population databases (rs786205278, gnomAD 0.01%). This variant has not been reported in the literature in individuals affected with LAMA4-related conditions. ClinVar contains an entry for this variant (Variation ID: 191681). Invitae Evidence Modeling of protein sequence and biophysical properties (such as structural, functional, and spatial information, amino acid conservation, physicochemical variation, residue mobility, and thermodynamic stability) indicates that this missense variant is not expected to disrupt LAMA4 protein function with a negative predictive value of 80%. In summary, the available evidence is currently insufficient to determine the role of this variant in disease. Therefore, it has been classified as a Variant of Uncertain Significance.

Fulgent Genetics
Classification: Uncertain significance for Dilated cardiomyopathy 1JJ. Last evaluated: 2021-09-17. Review status: criteria provided, single submitter. Criteria: ACMG Guidelines, 2015. Collection method: clinical testing. Allele origin: unknown.

Biesecker Lab/Clinical Genomics Section, National Institutes of Health
Classification: Uncertain significance. Last evaluated: 2013-06-24. Review status: criteria provided, single submitter. Criteria: Ng et al. (Circ Cardiovasc Genet. 2013). Collection method: research. Allele origin: unknown. Observed: 1 variant allele. Study: ClinSeq.
Comment: The study set was not selected for affection status in relation to any cancer. Pathogenicity categories were based on literature curation. See Pubmed ID:23861362 for details.

Medical sequencing

NM_001105206.3(LAMA4):c.4328C>T (p.Ala1443Val)

Gene: LAMA4 (laminin subunit alpha 4; minus strand). Cytogenetic location: 6q21.
Variant type: single nucleotide variant.
Coding change: c.4328C>T on transcript NM_001105206.3 (MANE Select); coding-DNA position 4328, C replaced by T.
Protein change: p.Ala1443Val; replaces alanine 1443 with valine.
Molecular consequence: missense variant.
Genome position (GRCh38, 1-based): chr6:112,122,161, G>A on the plus strand (C>T on the coding strand, the complement: LAMA4 is on the minus strand). VCF-style: chr6-112122161-G-A. GRCh37 (hg19) VCF-style: chr6-112443364-G-A.
Other names: c.4307C>T, p.Ala1436Val (NM_001105207.3, NM_002290.5); c.4307C>T (LRG_433t2); short protein forms A1436V, A1443V.
Identifiers: ClinVar variation 191681 (VCV000191681.9), dbSNP rs782696599, ClinGen allele CA237251.
Genomic context (GRCh38, chr6:112,122,161, plus strand): 5'-GGGCTGTTGGAAAGGTGGCAATGAGAGTTTCTTGGAGTATTCCGCTCTGGGAGTTTCAGA[G>A]CAACAGGATCCCATGAAGGTGCATCTTTACTTTTCCCTCCCTATAAAAGTAAACCAAATT-3'
Protein context (NP_001098676.2, residues 1433-1453): SKDAPSWDPV[Ala1443Val]LKLPERNTPR